The following is an entry in ClinVar:

ClinVar aggregate classification (germline): Uncertain significance (1 of 4 stars; one submission).

Conditions:
Early-infantile DEE. Also called: Ohtahara syndrome; Early infantile epileptic encephalopathy; Early infantile epileptic encephalopathy with suppression bursts. Identifiers: Orphanet 1934, MedGen C0393706, MONDO:0800491.

gnomAD v4.1: 1 of 1,614,000 alleles (0.000062%); highest among the groups gnomAD compares: Non-Finnish European, 0.000085%; no homozygotes.

Submission:

Labcorp Genetics (formerly Invitae), Labcorp
Classification: Uncertain significance for Early-infantile DEE. Last evaluated: 2021-04-03. Review status: criteria provided, single submitter. Criteria: Invitae Variant Classification Sherloc (09022015). Collection method: clinical testing. Allele origin: germline.
Comment: In summary, the available evidence is currently insufficient to determine the role of this variant in disease. Therefore, it has been classified as a Variant of Uncertain Significance. Algorithms developed to predict the effect of missense changes on protein structure and function are either unavailable or do not agree on the potential impact of this missense change (SIFT: "Deleterious"; PolyPhen-2: "Benign"; Align-GVGD: "Class C55"). This variant has not been reported in the literature in individuals with ARHGEF15-related conditions. This variant is not present in population databases (ExAC no frequency). This sequence change replaces valine with alanine at codon 698 of the ARHGEF15 protein (p.Val698Ala). The valine residue is highly conserved and there is a small physicochemical difference between valine and alanine.

NM_173728.4(ARHGEF15):c.2093T>C (p.Val698Ala)

Gene: ARHGEF15 (Rho guanine nucleotide exchange factor 15; plus strand). Cytogenetic location: 17p13.1.
Variant type: single nucleotide variant.
Coding change: c.2093T>C on transcript NM_173728.4 (MANE Select); coding-DNA position 2093, T replaced by C.
Protein change: p.Val698Ala; replaces valine 698 with alanine.
Molecular consequence: missense variant.
Genome position (GRCh38, 1-based): chr17:8,319,066, T>C. VCF-style: chr17-8319066-T-C. GRCh37 (hg19) VCF-style: chr17-8222384-T-C.
Other names: c.2093T>C, p.Val698Ala (NM_025014.2); short protein forms V698A.
Identifiers: ClinVar variation 1522727 (VCV001522727.9), dbSNP rs2151644165, ClinGen allele CA398024446.